The following is an entry in ClinVar:

NM_001367871.1(FBRSL1):c.1629+59C>T

Gene: FBRSL1 (fibrosin like 1; plus strand). Cytogenetic location: 12q24.33.
Variant type: single nucleotide variant.
Coding change: c.1629+59C>T on transcript NM_001367871.1 (MANE Select); 59 bases into the intron after coding-DNA position 1629, C replaced by T.
Molecular consequence: intron variant. On other transcripts: missense variant (1).
Genome position (GRCh38, 1-based): chr12:132,574,407, C>T. VCF-style: chr12-132574407-C-T. GRCh37 (hg19) VCF-style: chr12-133150993-C-T.
Other names: c.1673C>T, p.Pro558Leu (NM_001142641.2); c.1683+59C>T (NM_001382739.1); c.1213+3867C>T (NM_001382740.1); short protein forms P558L.
Identifiers: ClinVar variation 3778463 (VCV003778463.7).
Genomic context (GRCh38, chr12:132,574,407, plus strand): 5'-AGGTGAGCACGTGTTGGGAAGGCCCGTGGCAAGGGAGGACTCTGGTGCCCCCGGGGCGGC[C>T]TCGGGGGGCCCGTGACAGCAGGAGTCTGCAGAAAACATGGGTGGGGGTGGCACCAGCCCC-3'

ClinVar aggregate classification (germline): Likely benign (1 of 4 stars; one submission).

gnomAD v4.1: 1 of 1,548,688 alleles (0.000065%); no homozygotes.

Submission:

CeGaT Center for Human Genetics Tuebingen
Classification: Likely benign. Last evaluated: 2025-03-01. Review status: criteria provided, single submitter. Criteria: CeGaT Center For Human Genetics Tuebingen Variant Classification Criteria Version 2. Collection method: clinical testing. Allele origin: germline. Affected: yes. Observed: 1 variant allele.
Comment: FBRSL1: BP4